The following is an entry in ClinVar:

NM_001267550.2(TTN):c.1390C>T (p.Gln464Ter)

Gene: TTN (titin; minus strand). Cytogenetic location: 2q31.2.
Variant type: single nucleotide variant.
Coding change: c.1390C>T on transcript NM_001267550.2 (MANE Select); coding-DNA position 1390, C replaced by T.
Protein change: p.Gln464Ter; replaces glutamine 464 with a stop codon.
Molecular consequence: nonsense.
Genome position (GRCh38, 1-based): chr2:178,794,407, G>A on the plus strand (C>T on the coding strand, the complement: TTN is on the minus strand). VCF-style: chr2-178794407-G-A. GRCh37 (hg19) VCF-style: chr2-179659134-G-A.
Other names: c.1390C>T, p.Gln464Ter (NM_001256850.1, NM_003319.4, NM_133378.4 and 3 more transcripts); short protein forms Q464*.
Identifiers: ClinVar variation 4783863 (VCV004783863.1).

ClinVar aggregate classification (germline): Likely pathogenic (1 of 4 stars; one submission).

Conditions:
Dilated cardiomyopathy 1G (CMD1G). Identifiers: Orphanet 154, MedGen C1858763, MONDO:0011400, OMIM 604145.
Autosomal recessive limb-girdle muscular dystrophy type 2J (LGMDR10). Also called: Limb-girdle muscular dystrophy, type 2J; MUSCULAR DYSTROPHY, LIMB-GIRDLE, AUTOSOMAL RECESSIVE 10. Identifiers: Orphanet 140922, MedGen C1837342, MONDO:0012127, OMIM 608807.

Submission:

Labcorp Genetics (formerly Invitae), Labcorp
Classification: Likely pathogenic for Dilated cardiomyopathy 1G; Autosomal recessive limb-girdle muscular dystrophy type 2J. Last evaluated: 2025-11-05. Review status: criteria provided, single submitter. Criteria: Invitae Variant Classification Sherloc (09022015). Collection method: clinical testing. Allele origin: germline.
Comment: This sequence change creates a premature translational stop signal (p.Gln464*) in the TTN gene. While this is not anticipated to result in nonsense mediated decay, it is expected to create a truncated TTN protein. This variant is not present in population databases (gnomAD no frequency). This variant has not been observed in the literature in individuals with autosomal recessive TTN-related conditions. This variant has been reported in individual(s) with autosomal dominant dilated cardiomyopathy (PMID: 33996946; internal data); however, the role of the variant in this condition is currently unclear. This variant is located in the Z band of TTN (PMID: 25589632). Truncating variants in this region have been reported in individuals affected with autosomal recessive centronuclear myopathy (PMID: 33449170, internal data). Truncating variants in this region have also been identified in individuals affected with autosomal dominant dilated cardiomyopathy and/or cardio-related conditions (PMID: 27869827, 32964742, internal data). In summary, the currently available evidence indicates that the variant is pathogenic, but additional data are needed to prove that conclusively. Therefore, this variant has been classified as Likely Pathogenic.

Literature cited by the submitters: PubMed 33996946; PubMed 25589632; PubMed 33449170; PubMed 27869827; PubMed 32964742.